The following is an entry in ClinVar:

ClinVar aggregate classification (germline): Uncertain significance (1 of 4 stars; one submission).

Conditions:
RASopathy. Also called: rasopathies; Noonan spectrum disorder. Identifiers: Orphanet 536391, MedGen C5555857, MONDO:0021060.

Submission:

Labcorp Genetics (formerly Invitae), Labcorp
Classification: Uncertain significance for RASopathy. Last evaluated: 2024-11-26. Review status: criteria provided, single submitter. Criteria: Invitae Variant Classification Sherloc (09022015). Collection method: clinical testing. Allele origin: germline.
Comment: This variant, c.45_125dup, results in the insertion of 27 amino acid(s) of the SHOC2 protein (p.Asp15_Lys41dup), but otherwise preserves the integrity of the reading frame. This variant is not present in population databases (gnomAD no frequency). This variant has not been reported in the literature in individuals affected with SHOC2-related conditions. Experimental studies and prediction algorithms are not available or were not evaluated, and the functional significance of this variant is currently unknown. In summary, the available evidence is currently insufficient to determine the role of this variant in disease. Therefore, it has been classified as a Variant of Uncertain Significance.

NM_007373.4(SHOC2):c.45_125dup (p.Lys41_Glu42insAspProLysValProSerAlaLysGluArgGluLysGluAlaLysAlaSerGlyGlyPheGlyLysGluSerLysGluLys)

Gene: SHOC2 (SHOC2 leucine rich repeat scaffold protein; plus strand). Cytogenetic location: 10q25.2.
Variant type: Duplication.
Coding change: c.45_125dup on transcript NM_007373.4 (MANE Select); coding-DNA positions 45 to 125, 81 bases duplicated.
Protein change: p.Lys41_Glu42insAspProLysValProSerAlaLysGluArgGluLysGluAlaLysAlaSerGlyGlyPheGlyLysGluSerLysGluLys.
Genome position (GRCh38, 1-based): chr10:110,964,403-110,964,483, 81 bases duplicated. GRCh37 (hg19): chr10:112,724,161-112,724,241.
Other names: c.45_125dup, p.Lys41_Glu42insAspProLysValProSerAlaLysGluArgGluLysGluAlaLysAlaSerGlyGlyPheGlyLysGluSerLysGluLys (NM_001269039.3, NM_001324336.2, NM_001324337.2).
Identifiers: ClinVar variation 3726078 (VCV003726078.2).